The following is an entry in ClinVar:

NM_001252024.2(TRPM1):c.3148C>T (p.Pro1050Ser)

Genes: TRPM1 (transient receptor potential cation channel subfamily M member 1; minus strand), TRPM1-AS1 (TRPM1 antisense RNA 1; plus strand). Cytogenetic location: 15q13.3.
Variant type: single nucleotide variant.
Coding change: c.3148C>T on transcript NM_001252024.2 (MANE Select); coding-DNA position 3148, C replaced by T.
Protein change: p.Pro1050Ser; replaces proline 1050 with serine.
Molecular consequence: missense variant.
Genome position (GRCh38, 1-based): chr15:31,029,371, G>A on the plus strand (C>T on the coding strand, the complement: TRPM1 is on the minus strand). VCF-style: chr15-31029371-G-A. GRCh37 (hg19) VCF-style: chr15-31321574-G-A.
Other names: c.3199C>T, p.Pro1067Ser (NM_001252020.2); c.3082C>T, p.Pro1028Ser (NM_002420.6); short protein forms P1028S, P1050S, P1067S.
Identifiers: ClinVar variation 1053818 (VCV001053818.8), dbSNP rs555928261, ClinGen allele CA7451971.
Genomic context (GRCh38, chr15:31,029,371, plus strand): 5'-GAAAAGGTAATTGAAAAACACATTCCATAGACTAGAATAATCAATTCCATGTAAACTTAC[G>A]ATTAATTTCCATGGCGTAGACTACATGACGATTGGAAAGCAGGATTTTTGTTTTGTTTTG-3'
Protein context (NP_001238953.1, residues 1040-1060): QIDLYAMEIN[Pro1050Ser]PCGENLYDEE

ClinVar aggregate classification (germline): Uncertain significance (1 of 4 stars; one submission).

Allele frequency attached by ClinVar (database versions not stated): gnomAD 0.00001 and 0.00004; TOPMed 0.00001; gnomAD exomes 0.00007 and 0.00014; ExAC 0.00008; 1000 Genomes Project 30x 0.00047; 1000 Genomes Project 0.00060.
gnomAD v4.1: 103 of 1,613,626 alleles (0.0064%); highest among the groups gnomAD compares: South Asian, 0.11%; 2 homozygotes.

Submission:

Labcorp Genetics (formerly Invitae), Labcorp
Classification: Uncertain significance. Last evaluated: 2025-05-09. Review status: criteria provided, single submitter. Criteria: Invitae Variant Classification Sherloc (09022015). Collection method: clinical testing. Allele origin: germline.
Comment: This sequence change replaces proline, which is neutral and non-polar, with serine, which is neutral and polar, at codon 1028 of the TRPM1 protein (p.Pro1028Ser). This variant is present in population databases (rs555928261, gnomAD 0.1%). This variant has not been reported in the literature in individuals affected with TRPM1-related conditions. ClinVar contains an entry for this variant (Variation ID: 1053818). Invitae Evidence Modeling of protein sequence and biophysical properties (such as structural, functional, and spatial information, amino acid conservation, physicochemical variation, residue mobility, and thermodynamic stability) has been performed for this missense variant. However, the output from this modeling did not meet the statistical confidence thresholds required to predict the impact of this variant on TRPM1 protein function. Algorithms developed to predict the effect of sequence changes on RNA splicing suggest that this variant may disrupt the consensus splice site. In summary, the available evidence is currently insufficient to determine the role of this variant in disease. Therefore, it has been classified as a Variant of Uncertain Significance.